The following is an entry in ClinVar:

ClinVar aggregate classification (germline): Conflicting classifications of pathogenicity. Review status: criteria provided, conflicting classifications (1 of 4 stars). 13 submissions from 13 submitters: Uncertain significance (8); Likely benign (2). 3 of the submissions do not count toward it. Last evaluated 2026-02-06.

Conditions:
Hereditary breast ovarian cancer syndrome. Also called: Breast and ovarian cancer; Hereditary breast and ovarian cancer syndrome; Hereditary breast and ovarian cancer; Hereditary breast and ovarian cancer syndrome (HBOC); Hereditary breast and/or ovarian cancer syndrome; BRCA1- and BRCA2-Associated Hereditary Breast and Ovarian Cancer. Identifiers: Orphanet 145, MedGen C0677776, MeSH D061325, MONDO:0003582. Disease mechanism: loss of function.
Breast-ovarian cancer, familial, susceptibility to, 1 (BROVCA1). Also called: OVARIAN CANCER, SUSCEPTIBILITY TO; BRCA1 Hereditary Breast and Ovarian Cancer. Identifiers: Orphanet 145, MedGen C2676676, MONDO:0011450, OMIM 604370. Disease mechanism: loss of function.
Breast and/or ovarian cancer. Identifiers: MedGen CN221562.
Hereditary cancer-predisposing syndrome. Also called: Hereditary neoplastic syndrome; Tumor predisposition; Hereditary Cancer Syndrome; Neoplastic Syndromes, Hereditary. Identifiers: Orphanet 140162, MedGen C0027672, MeSH D009386, MONDO:0015356.
Familial cancer of breast. Also called: BREAST CANCER, FAMILIAL; hereditary breast carcinoma; Hereditary breast cancer. Identifiers: Orphanet 227535, MedGen C0346153, MONDO:0016419, OMIM 114480. Disease mechanism: loss of function.
Malignant tumor of breast. Also called: Malignant breast neoplasm; Cancer breast. Identifiers: MedGen C0006142, MONDO:0007254. Disease mechanism: loss of function.

Submissions 1 to 8 of 13:

Women's Health and Genetics/Laboratory Corporation of America, LabCorp
Classification: Uncertain significance. Last evaluated: 2026-02-06. Review status: criteria provided, single submitter. Criteria: LabCorp Variant Classification Summary - May 2015. Collection method: clinical testing. Allele origin: germline.
Comment: Variant summary: BRCA1 c.1441C>G (p.Leu481Val) results in a conservative amino acid change in the encoded protein sequence. Algorithms developed to predict the effect of missense changes on protein structure and function are either unavailable or do not agree on the potential impact of this missense change. The variant was absent in 251286 control chromosomes (gnomAD). The available data on variant occurrences in the general population are insufficient to allow any conclusion about variant significance. c.1441C>G has been observed in individuals affected with a personal or family history of breast or ovarian cancer (e.g. Peixoto_2015, Nguyen-Dumont_2020, Hovland_2022). These reports do not provide unequivocal conclusions about association of the variant with Hereditary Breast And Ovarian Cancer Syndrome. To our knowledge, no experimental evidence demonstrating an impact on protein function has been reported. The following publications have been ascertained in the context of this evaluation (PMID: 32772980, 34981296, 24916970). ClinVar contains an entry for this variant (Variation ID: 433698). Based on the evidence outlined above, the variant was classified as uncertain significance.

Labcorp Genetics (formerly Invitae), Labcorp
Classification: Uncertain significance for Hereditary breast ovarian cancer syndrome. Last evaluated: 2025-12-08. Review status: criteria provided, single submitter. Criteria: Invitae Variant Classification Sherloc (09022015). Collection method: clinical testing. Allele origin: germline.
Comment: This sequence change replaces leucine, which is neutral and non-polar, with valine, which is neutral and non-polar, at codon 481 of the BRCA1 protein (p.Leu481Val). This variant is not present in population databases (gnomAD no frequency). This missense change has been observed in individual(s) with hereditary breast and/or ovarian cancer (PMID: 24916970, 32772980, 34981296). ClinVar contains an entry for this variant (Variation ID: 433698). Invitae Evidence Modeling of protein sequence and biophysical properties (such as structural, functional, and spatial information, amino acid conservation, physicochemical variation, residue mobility, and thermodynamic stability) indicates that this missense variant is not expected to disrupt BRCA1 protein function with a negative predictive value of 95%. In summary, the available evidence is currently insufficient to determine the role of this variant in disease. Therefore, it has been classified as a Variant of Uncertain Significance.

Dasa
Classification: Uncertain significance for Breast-ovarian cancer, familial, susceptibility to, 1. Last evaluated: 2025-06-06. Review status: criteria provided, single submitter. Criteria: DASA Assertion Criteria. Collection method: clinical testing. Allele origin: germline.
Comment: NM_007294.4(BRCA1):c.1441C>G (p.Leu481Val) is a missense variant that results in the substitution of leucine with valine. This variant is rare in population databases. The currently available literature and clinical evidence are not sufficient to establish a definitive association between this variant and the reported condition. Therefore, this variant is classified as a variant of uncertain significance.

Ambry Genetics
Classification: Uncertain significance for Hereditary cancer-predisposing syndrome. Last evaluated: 2025-01-07. Review status: criteria provided, single submitter. Criteria: Ambry Variant Classification Scheme 2023. Collection method: clinical testing. Allele origin: germline.
Comment: The p.L481V variant (also known as c.1441C>G), located in coding exon 9 of the BRCA1 gene, results from a C to G substitution at nucleotide position 1441. The leucine at codon 481 is replaced by valine, an amino acid with highly similar properties. This alteration was identified in an individual diagnosed with a triple negative breast cancer (Wong-Brown MW et al. Breast Cancer Res Treat, 2015 Feb;150:71-80). This amino acid position is not well conserved in available vertebrate species. In addition, the in silico prediction for this alteration is inconclusive. Since supporting evidence is limited at this time, the clinical significance of this alteration remains unclear.

MGZ Medical Genetics Center
Classification: Likely benign for Familial cancer of breast. Last evaluated: 2024-02-09. Review status: criteria provided, single submitter. Criteria: CSpec BRCA1/2ACMG Rules Specifications V1.1.0. Collection method: clinical testing. Allele origin: germline. Affected: yes.
Comment: ACMG codes applied following ENIGMA VCEP rules: BP1_STR, BS2_SUP; PM2_SUP

All of Us Research Program, National Institutes of Health
Classification: Uncertain significance for Breast-ovarian cancer, familial, susceptibility to, 1. Last evaluated: 2023-12-01. Review status: criteria provided, single submitter. Criteria: ACMG Guidelines, 2015. Collection method: clinical testing. Allele origin: germline. Inheritance: Autosomal dominant inheritance. Observed: 1 variant allele, 1 heterozygote.
Comment: This missense variant replaces leucine with valine at codon 481 of the BRCA1 protein. Computational prediction is inconclusive regarding the impact of this variant on protein structure and function (internally defined REVEL score threshold 0.5 < inconclusive < 0.7, PMID: 27666373). To our knowledge, functional studies have not been reported for this variant. This variant has been detected in at least three individuals affected with breast and/or ovarian cancer (PMID: 32772980, 33471991; Leiden Open Variation Database DB-ID BRCA1_001798) and in one hereditary breast and ovarian cancer family that also has an unspecified pathogenic BRCA1 covariant (PMID: 24916970). This variant has not been identified in the general population by the Genome Aggregation Database (gnomAD). The available evidence is insufficient to determine the role of this variant in disease conclusively. Therefore, this variant is classified as a Variant of Uncertain Significance.

This study involves interpretation of variants in research participants for the purpose of population health screening. Participant phenotype was not available at the time of variant classification. Additional details can be found in publication PMID: 35346344, PMCID: PMC8962531

University of Washington Department of Laboratory Medicine, University of Washington
Classification: Likely benign for Hereditary cancer-predisposing syndrome. Last evaluated: 2023-03-23. Review status: criteria provided, single submitter. Criteria: Dines et al. (Genet Med. 2020). Collection method: curation. Allele origin: germline.
Comment: Missense variant in a coldspot region where missense variants are very unlikely to be pathogenic (PMID:31911673).

BRCA1 coldspot (exon 11 using historical exon numbering). Reclassification based on statistical prior probability

CeGaT Center for Human Genetics Tuebingen
Classification: Uncertain significance. Last evaluated: 2022-04-01. Review status: criteria provided, single submitter. Criteria: CeGaT Center For Human Genetics Tuebingen Variant Classification Criteria Version 2. Collection method: clinical testing. Allele origin: germline. Affected: yes. Observed: 1 variant allele.
Comment: BRCA1: PM2, BP1, BP5

NM_007294.4(BRCA1):c.1441C>G (p.Leu481Val)

Gene: BRCA1 (BRCA1 DNA repair associated; minus strand). Cytogenetic location: 17q21.31.
Variant type: single nucleotide variant.
Coding change: c.1441C>G on transcript NM_007294.4 (MANE Select); coding-DNA position 1441, C replaced by G.
Protein change: p.Leu481Val; replaces leucine 481 with valine.
Molecular consequence: missense variant. On other transcripts: intron variant (137).
Genome position (GRCh38, 1-based): chr17:43,094,090, G>C on the plus strand (C>G on the coding strand, the complement: BRCA1 is on the minus strand). VCF-style: chr17-43094090-G-C. GRCh37 (hg19) VCF-style: chr17-41246107-G-C.
Other names: c.784+654C>G (NM_001408396.1, NM_001407985.1, NM_001407991.1 and 13 more transcripts); c.548-3058C>G (NM_001408494.1); c.664+654C>G (NM_001408444.1, NM_001408438.1, NM_001408430.1 and 12 more transcripts); c.670+1756C>G (NM_001408423.1, NM_001408420.1, NM_001408419.1 and 2 more transcripts); c.787+654C>G (NM_001408404.1, NM_001408472.1, NM_001407990.1 and 19 more transcripts); c.577+654C>G (NM_001408492.1, NM_001408513.1, NM_001408489.1 and 9 more transcripts); c.643+654C>G (NM_001408468.1, NM_001408465.1, NM_001408463.1 and 3 more transcripts); c.523+654C>G (NM_001408501.1, NM_001408500.1, NM_001408497.1 and 3 more transcripts); and 40 more; short protein forms L481V, L434V, L393V, L440V, L353V, L369V, L370V, L413V.
Identifiers: ClinVar variation 433698 (VCV000433698.57), dbSNP rs1397842308, ClinGen allele CA10599158.